The following is an entry in ClinVar:

NM_001080517.3(SETD5):c.972T>G (p.Phe324Leu)

Gene: SETD5 (SET domain containing 5; plus strand). Cytogenetic location: 3p25.3.
Variant type: single nucleotide variant.
Coding change: c.972T>G on transcript NM_001080517.3 (MANE Select); coding-DNA position 972, T replaced by G.
Protein change: p.Phe324Leu; replaces phenylalanine 324 with leucine.
Molecular consequence: missense variant.
Genome position (GRCh38, 1-based): chr3:9,442,140, T>G. VCF-style: chr3-9442140-T-G. GRCh37 (hg19) VCF-style: chr3-9483824-T-G.
Other names: c.678T>G, p.Phe226Leu (NM_001292043.2, NM_001349451.2); short protein forms F226L, F324L.
Identifiers: ClinVar variation 983409 (VCV000983409.4), dbSNP rs2041370929, ClinGen allele CA351689197.
Genomic context (GRCh38, chr3:9,442,140, plus strand): 5'-CCTTCTTATTTGTGTTGAGAATTACAGGAATTTTAATTGTATCCCTAGACCATACCCCTT[T>G]GTGCTCTTCTACTCAAAATTCAATGGTGTAGAGATGTGTGTGGATGCCCGTACTTTCGGT-3'
Protein context (NP_001073986.1, residues 314-334): NGHFFKKPYP[Phe324Leu]VLFYSKFNGV

ClinVar aggregate classification (germline): Likely pathogenic. Review status: criteria provided, multiple submitters, no conflicts (2 of 4 stars). 2 submissions from 2 submitters: Likely pathogenic (2). Last evaluated 2024-12-19.

Conditions:
Intellectual disability-facial dysmorphism syndrome due to SETD5 haploinsufficiency (MRD23). Also called: Intellectual developmental disorder, autosomal dominant 23. Identifiers: Orphanet 404440, MedGen C3810406, MONDO:0014336, OMIM 615761.

Submissions (2):

Institute of Human Genetics, University of Leipzig Medical Center
Classification: Likely pathogenic for Intellectual disability-facial dysmorphism syndrome due to SETD5 haploinsufficiency. Last evaluated: 2024-12-19. Review status: criteria provided, single submitter. Criteria: ACMG Guidelines, 2015. Collection method: clinical testing. Allele origin: de novo. Inheritance: Autosomal dominant inheritance. Affected: yes.
Comment: Criteria applied: PS2_MOD,PM1,PM2,PS4_SUP,PP3

New York Genome Center
Classification: Likely pathogenic for Intellectual disability-facial dysmorphism syndrome due to SETD5 haploinsufficiency. Last evaluated: 2020-02-20. Review status: criteria provided, single submitter. Criteria: NYGC Assertion Criteria 2020. Collection method: clinical testing. Allele origin: de novo. Affected: yes. Observed: 1 heterozygote. Study: CSER-NYCKidSeq.
Comment: This variant is absent from gnomAD suggesting it is not a common benign variant in the populations represented in this database. In silico algorithms predict this variant to be Deleterious (Provean; score: -5.59) and Damaging (SIFT; score: 0.001) to the function of the canonical transcript. This variant is absent from ClinVar and to our current knowledge has not been reported in affected individuals in the literature. The p.Phe324 residue is within the highly conserved SET domain of SETD5 (UniProtKB; Q9C0A6), in which several missense variants have been reported as Likely Pathogenic in ClinVar (p.Lys330Glu, VarID:666294; p.Asp339, VarID:432024). Given its presence de novo, its absence in population databases, and its presence in a functional domain of SETD5, the de novoc.972T>G (p.Phe324Leu) variant identified is reported here as Likely Pathogenic.